The following is an entry in ClinVar:

ClinVar aggregate classification (germline): Uncertain significance. Review status: criteria provided, multiple submitters, no conflicts (2 of 4 stars). 2 submissions from 2 submitters: Uncertain significance (2). Last evaluated 2025-02-27.

Conditions:
MHC class II deficiency. Also called: BLS, TYPE II; Bare lymphocyte syndrome 2. Identifiers: Orphanet 572, MedGen C5447452, MONDO:0008855.
Inborn genetic diseases. Identifiers: MedGen C0950123, MeSH D030342.

Allele frequency attached by ClinVar (database versions not stated): ExAC 0.00001.
gnomAD v4.1: 6 of 1,571,490 alleles (0.00038%); highest among the groups gnomAD compares: Admixed American, 0.0055%; no homozygotes.

Submissions (2):

Ambry Genetics
Classification: Uncertain significance for Inborn genetic diseases. Last evaluated: 2025-02-27. Review status: criteria provided, single submitter. Criteria: Ambry Variant Classification Scheme 2023. Collection method: clinical testing. Allele origin: germline.

Labcorp Genetics (formerly Invitae), Labcorp
Classification: Uncertain significance for MHC class II deficiency. Last evaluated: 2024-05-15. Review status: criteria provided, single submitter. Criteria: Invitae Variant Classification Sherloc (09022015). Collection method: clinical testing. Allele origin: germline.
Comment: This sequence change replaces valine, which is neutral and non-polar, with methionine, which is neutral and non-polar, at codon 825 of the CIITA protein (p.Val825Met). This variant is present in population databases (rs773619622, gnomAD 0.007%). This variant has not been reported in the literature in individuals affected with CIITA-related conditions. ClinVar contains an entry for this variant (Variation ID: 1414597). An algorithm developed to predict the effect of missense changes on protein structure and function (PolyPhen-2) suggests that this variant is likely to be disruptive. In summary, the available evidence is currently insufficient to determine the role of this variant in disease. Therefore, it has been classified as a Variant of Uncertain Significance.

NM_000246.4(CIITA):c.2473G>A (p.Val825Met)

Gene: CIITA (class II major histocompatibility complex transactivator; plus strand). Cytogenetic location: 16p13.13.
Variant type: single nucleotide variant.
Coding change: c.2473G>A on transcript NM_000246.4 (MANE Select); coding-DNA position 2473, G replaced by A.
Protein change: p.Val825Met; replaces valine 825 with methionine.
Molecular consequence: missense variant. On other transcripts: intron variant (1).
Genome position (GRCh38, 1-based): chr16:10,907,965, G>A. VCF-style: chr16-10907965-G-A. GRCh37 (hg19) VCF-style: chr16-11001822-G-A.
Other names: c.2476G>A, p.Val826Met (NM_001286402.1, NM_001379332.1); c.2329G>A, p.Val777Met (NM_001379330.1); c.2326G>A, p.Val776Met (NM_001379331.1); c.2473G>A, p.Val825Met (NM_001379333.1); c.2404G>A, p.Val802Met (NM_001379334.1); c.860-1018G>A (NM_001286403.2); c.2473G>A (NM_000246.3); short protein forms V802M, V776M, V777M, V825M, V826M.
Identifiers: ClinVar variation 1414597 (VCV001414597.7), dbSNP rs773619622, ClinGen allele CA7900383.